The following is an entry in ClinVar:

ClinVar aggregate classification (germline): Uncertain significance. Review status: criteria provided, multiple submitters, no conflicts (2 of 4 stars). 2 submissions from 2 submitters: Uncertain significance (2). Last evaluated 2025-08-04.

Conditions:
Inborn genetic diseases. Identifiers: MedGen C0950123, MeSH D030342.

Allele frequency attached by ClinVar (database versions not stated): ExAC 0.00003; gnomAD 0.00003; TOPMed 0.00004.
gnomAD v4.1: 44 of 1,613,280 alleles (0.0027%); highest among the groups gnomAD compares: Non-Finnish European, 0.0031%; no homozygotes.

Submissions (2):

Ambry Genetics
Classification: Uncertain significance for Inborn genetic diseases. Last evaluated: 2025-08-04. Review status: criteria provided, single submitter. Criteria: Ambry Variant Classification Scheme 2023. Collection method: clinical testing. Allele origin: germline.

GeneDx
Classification: Uncertain significance. Last evaluated: 2024-08-02. Review status: criteria provided, single submitter. Criteria: GeneDx Variant Classification Process June 2021. Collection method: clinical testing. Allele origin: germline. Affected: yes.
Comment: In silico analysis supports that this missense variant has a deleterious effect on protein structure/function; Has not been previously published as pathogenic or benign to our knowledge

NM_005883.3(APC2):c.1318G>A (p.Val440Met)

Gene: APC2 (APC regulator of Wnt signaling pathway 2; plus strand). Cytogenetic location: 19p13.3.
Variant type: single nucleotide variant.
Coding change: c.1318G>A on transcript NM_005883.3 (MANE Select); coding-DNA position 1318, G replaced by A.
Protein change: p.Val440Met; replaces valine 440 with methionine.
Molecular consequence: missense variant.
Genome position (GRCh38, 1-based): chr19:1,460,195, G>A. VCF-style: chr19-1460195-G-A. GRCh37 (hg19) VCF-style: chr19-1460194-G-A.
Other names: c.1315G>A, p.Val439Met (NM_001351273.1); short protein forms V439M, V440M.
Identifiers: ClinVar variation 2248338 (VCV002248338.4), dbSNP rs769320574, ClinGen allele CA9045036.